The following is an entry in ClinVar:

NM_004560.4(ROR2):c.38T>A (p.Leu13Gln)

Gene: ROR2 (ROR family WNT receptor 2; minus strand). Cytogenetic location: 9q22.31.
Variant type: single nucleotide variant.
Coding change: c.38T>A on transcript NM_004560.4 (MANE Select); coding-DNA position 38, T replaced by A.
Protein change: p.Leu13Gln; replaces leucine 13 with glutamine.
Molecular consequence: missense variant.
Genome position (GRCh38, 1-based): chr9:91,949,926, A>T on the plus strand (T>A on the coding strand, the complement: ROR2 is on the minus strand). VCF-style: chr9-91949926-A-T. GRCh37 (hg19) VCF-style: chr9-94712208-A-T.
Other names: c.38T>A, p.Leu13Gln (NM_001318204.2); short protein forms L13Q.
Identifiers: ClinVar variation 4534065 (VCV004534065.6).

ClinVar aggregate classification (germline): Uncertain significance (1 of 4 stars; one submission).

Submission:

CeGaT Center for Human Genetics Tuebingen
Classification: Uncertain significance. Last evaluated: 2025-10-01. Review status: criteria provided, single submitter. Criteria: CeGaT Center For Human Genetics Tuebingen Variant Classification Criteria Version 2. Collection method: clinical testing. Allele origin: germline. Affected: yes. Observed: 1 variant allele.
Comment: ROR2: PM2